The following is an entry in ClinVar:

ClinVar aggregate classification (germline): Uncertain significance. Review status: criteria provided, multiple submitters, no conflicts (2 of 4 stars). 4 submissions from 4 submitters: Uncertain significance (4). Last evaluated 2026-09-02.

Conditions:
Inborn genetic diseases. Identifiers: MedGen C0950123, MeSH D030342.
TPRN-related disorder. Also called: TPRN-related condition.

Allele frequency attached by ClinVar (database versions not stated): gnomAD exomes 0.00007; ExAC 0.00009; ESP Exome Variant Server 0.00015; gnomAD 0.00017; TOPMed 0.00028; 1000 Genomes Project 0.00040; 1000 Genomes Project 30x 0.00047.
gnomAD v4.1: 49 of 1,612,656 alleles (0.003%); highest among the groups gnomAD compares: African/African-American, 0.057%; no homozygotes.

Submissions (4):

PreventionGenetics, part of Exact Sciences
Classification: Uncertain significance for TPRN-related condition. Last evaluated: 2026-09-02. Review status: criteria provided, single submitter. Criteria: ACMG Guidelines, 2015. Collection method: clinical testing. Allele origin: germline.
Comment: The TPRN c.1386C>A variant is predicted to result in the amino acid substitution p.Asp462Glu. To our knowledge, this variant has not been reported in the literature. This variant is reported in 0.073% of alleles in individuals of African descent in gnomAD. At this time, the clinical significance of this variant is uncertain due to the absence of conclusive functional and genetic evidence.

Ambry Genetics
Classification: Uncertain significance for Inborn genetic diseases. Last evaluated: 2025-02-12. Review status: criteria provided, single submitter. Criteria: Ambry Variant Classification Scheme 2023. Collection method: clinical testing. Allele origin: germline.

GeneDx
Classification: Uncertain significance. Last evaluated: 2024-04-09. Review status: criteria provided, single submitter. Criteria: GeneDx Variant Classification Process June 2021. Collection method: clinical testing. Allele origin: germline.
Comment: In silico analysis indicates that this missense variant does not alter protein structure/function; Has not been previously published as pathogenic or benign to our knowledge

Labcorp Genetics (formerly Invitae), Labcorp
Classification: Uncertain significance. Last evaluated: 2021-09-24. Review status: criteria provided, single submitter. Criteria: Invitae Variant Classification Sherloc (09022015). Collection method: clinical testing. Allele origin: germline.
Comment: This sequence change replaces aspartic acid with glutamic acid at codon 462 of the TPRN protein (p.Asp462Glu). The aspartic acid residue is highly conserved and there is a small physicochemical difference between aspartic acid and glutamic acid. This variant is present in population databases (rs369288822, ExAC 0.1%). This variant has not been reported in the literature in individuals affected with TPRN-related conditions. Algorithms developed to predict the effect of missense changes on protein structure and function are either unavailable or do not agree on the potential impact of this missense change (SIFT: "Deleterious"; PolyPhen-2: "Probably Damaging"; Align-GVGD: "Class C0"). In summary, the available evidence is currently insufficient to determine the role of this variant in disease. Therefore, it has been classified as a Variant of Uncertain Significance.

NM_001128228.3(TPRN):c.1386C>A (p.Asp462Glu)

Gene: TPRN (taperin; minus strand). Cytogenetic location: 9q34.3.
Variant type: single nucleotide variant.
Coding change: c.1386C>A on transcript NM_001128228.3 (MANE Select); coding-DNA position 1386, C replaced by A.
Protein change: p.Asp462Glu; replaces aspartic acid 462 with glutamic acid.
Molecular consequence: missense variant.
Genome position (GRCh38, 1-based): chr9:137,199,326, G>T on the plus strand (C>A on the coding strand, the complement: TPRN is on the minus strand). VCF-style: chr9-137199326-G-T. GRCh37 (hg19) VCF-style: chr9-140093778-G-T.
Other names: short protein forms D462E.
Identifiers: ClinVar variation 1431603 (VCV001431603.9), dbSNP rs369288822, ClinGen allele CA5362753.
Genomic context (GRCh38, chr9:137,199,326, plus strand): 5'-CAGAGGCCTGGCAGGGTGCGGGAGGTAGGGTAGTTTGGCTGCTTGGGGGGCCTCCTCCGA[G>T]TCTACCTCATCGATGAAGGTGACAGGCAGCCCCGGCCTCACATATTCCCGGCTATTCTTG-3'
Protein context (NP_001121700.2, residues 452-472): GLPVTFIDEV[Asp462Glu]SEEAPQAAKL